The following is an entry in ClinVar:

ClinVar aggregate classification (germline): Likely benign (1 of 4 stars; one submission).

Allele frequency attached by ClinVar (database versions not stated): TOPMed below 0.00001; gnomAD 0.00001.
gnomAD v4.1: 1 of 1,612,918 alleles (0.000062%); no homozygotes.

Submission:

CeGaT Center for Human Genetics Tuebingen
Classification: Likely benign. Last evaluated: 2022-12-01. Review status: criteria provided, single submitter. Criteria: CeGaT Center For Human Genetics Tuebingen Variant Classification Criteria Version 2. Collection method: clinical testing. Allele origin: germline. Affected: yes. Observed: 2 variant alleles.
Comment: LAMB1: BP4

NM_002291.3(LAMB1):c.4522A>G (p.Arg1508Gly)

Gene: LAMB1 (laminin subunit beta 1; minus strand). Cytogenetic location: 7q31.1.
Variant type: single nucleotide variant.
Coding change: c.4522A>G on transcript NM_002291.3 (MANE Select); coding-DNA position 4522, A replaced by G.
Protein change: p.Arg1508Gly; replaces arginine 1508 with glycine.
Molecular consequence: missense variant.
Genome position (GRCh38, 1-based): chr7:107,931,371, T>C on the plus strand (A>G on the coding strand, the complement: LAMB1 is on the minus strand). VCF-style: chr7-107931371-T-C. GRCh37 (hg19) VCF-style: chr7-107571816-T-C.
Other names: short protein forms R1508G.
Identifiers: ClinVar variation 2657935 (VCV002657935.24), dbSNP rs2032706108, ClinGen allele CA368863807.